The following is an entry in ClinVar:

ClinVar aggregate classification (germline): Uncertain significance (1 of 4 stars; one submission).

Submission:

Clinical Genomics Laboratory, Laboratory for Precision Diagnostics, University of Washington
Classification: Uncertain significance. Last evaluated: 2022-10-12. Review status: criteria provided, single submitter. Criteria: ACMG/ClinGen CNV Guidelines, 2019. Collection method: clinical testing. Allele origin: unknown. Affected: yes. Observed: 1 variant allele.

GRCh38/hg38 3q13.13(chr3:108762883-109187774)x1

Genes: C3orf85 (chromosome 3 open reading frame 85; plus strand), GUCA1C (guanylate cyclase activator 1C; minus strand), LINC00488 (long intergenic non-protein coding RNA 488; plus strand), MORC1 (MORC family CW-type zinc finger 1; minus strand), MORC1-AS1 (MORC1 antisense RNA 1; plus strand) and 2 more. Cytogenetic location: 3q13.13.
Variant type: copy number loss.
Change: copy number 1 (one copy instead of two) of chr3:108,762,883-109,187,774 (424.9 kb, GRCh38 coordinates, 1-based), cytogenetic band 3q13.13.
Identifiers: ClinVar variation 4852084 (VCV004852084.1).